The following is an entry in ClinVar:

NM_001378030.1(CCDC78):c.498G>T (p.Gln166His)

Gene: CCDC78 (coiled-coil domain containing 78; minus strand). Cytogenetic location: 16p13.3.
Variant type: single nucleotide variant.
Coding change: c.498G>T on transcript NM_001378030.1 (MANE Select); coding-DNA position 498, G replaced by T.
Protein change: p.Gln166His; replaces glutamine 166 with histidine.
Molecular consequence: missense variant. On other transcripts: non-coding transcript variant (5).
Genome position (GRCh38, 1-based): chr16:725,140, C>A on the plus strand (G>T on the coding strand, the complement: CCDC78 is on the minus strand). VCF-style: chr16-725140-C-A. GRCh37 (hg19) VCF-style: chr16-775140-C-A.
Other names: c.498G>T, p.Gln166His (NM_001031737.3, NM_001378031.1); c.136G>T, p.Gly46Trp (NM_001378033.1); short protein forms Q166H, G46W.
Identifiers: ClinVar variation 4699782 (VCV004699782.1).

ClinVar aggregate classification (germline): Uncertain significance (1 of 4 stars; one submission).

Conditions:
Congenital myopathy with internal nuclei and atypical cores. Also called: Myopathy, centronuclear, 4. Identifiers: Orphanet 319160, MedGen C4707232, MONDO:0013890, OMIM 614807.

gnomAD v4.1: 2 of 1,612,806 alleles (0.00012%); highest among the groups gnomAD compares: Middle Eastern, 0.016%; no homozygotes.

Submission:

Labcorp Genetics (formerly Invitae), Labcorp
Classification: Uncertain significance for Congenital myopathy with internal nuclei and atypical cores. Last evaluated: 2025-09-30. Review status: criteria provided, single submitter. Criteria: Invitae Variant Classification Sherloc (09022015). Collection method: clinical testing. Allele origin: germline.
Comment: This sequence change replaces glutamine, which is neutral and polar, with histidine, which is basic and polar, at codon 166 of the CCDC78 protein (p.Gln166His). This variant is not present in population databases (gnomAD no frequency). This variant has not been reported in the literature in individuals affected with CCDC78-related conditions. Invitae Evidence Modeling of protein sequence and biophysical properties (such as structural, functional, and spatial information, amino acid conservation, physicochemical variation, residue mobility, and thermodynamic stability) indicates that this missense variant is not expected to disrupt CCDC78 protein function with a negative predictive value of 80%. In summary, the available evidence is currently insufficient to determine the role of this variant in disease. Therefore, it has been classified as a Variant of Uncertain Significance.